The following is an entry in ClinVar:

NM_014317.5(PDSS1):c.1236_1237del (p.Arg413_Asp414insTer)

Gene: PDSS1 (decaprenyl diphosphate synthase subunit 1; plus strand). Cytogenetic location: 10p12.1.
Variant type: Deletion.
Coding change: c.1236_1237del on transcript NM_014317.5 (MANE Select); coding-DNA positions 1236 to 1237, 2 bases deleted (AA; older notation c.1236_1237delAA).
Protein change: p.Arg413_Asp414insTer.
Molecular consequence: frameshift variant. On other transcripts: 3 prime UTR variant (1).
Genome position (GRCh38, 1-based): chr10:26,746,461-26,746,462, AA deleted. VCF-style (leftmost placement, unchanged base first): chr10-26746460-CAA-C. GRCh37 (hg19) VCF-style: chr10-27035389-CAA-C.
Other names: c.*124_*125del (NM_001321978.2); c.726_727del, p.Arg243_Asp244insTer (NM_001321979.2).
Identifiers: ClinVar variation 4056707 (VCV004056707.1).
Genomic context (GRCh38, chr10:26,746,460, plus strand): 5'-GTAAACTTCGACCATCCCCAGAAAGAGATGCCCTCATTCAGCTTTCAGAAATTGTACTCA[CAA>C]GAGATAAATGACAACTCTTTCTGTTCTTTCTGGCAGCTATCTTACCAGACTGTGCCTAAA-3'

ClinVar aggregate classification (germline): Uncertain significance (1 of 4 stars; one submission).

Conditions:
Deafness-encephaloneuropathy-obesity-valvulopathy syndrome. Identifiers: Orphanet 254898, MedGen C3553354, MONDO:0013837, OMIM 614651.

Submission:

Laboratorio de Genetica e Diagnostico Molecular, Hospital Israelita Albert Einstein
Classification: Uncertain significance for Deafness-encephaloneuropathy-obesity-valvulopathy syndrome. Last evaluated: 2024-07-08. Review status: criteria provided, single submitter. Criteria: ACMG Guidelines, 2015. Collection method: clinical testing. Allele origin: germline. Affected: yes.
Comment: ACMG classification criteria: PVS1 moderate, PM2 supporting